The following is an entry in ClinVar:

NM_032119.4(ADGRV1):c.17488C>T (p.Gln5830Ter)

Gene: ADGRV1 (adhesion G protein-coupled receptor V1; plus strand). Cytogenetic location: 5q14.3.
Variant type: single nucleotide variant.
Coding change: c.17488C>T on transcript NM_032119.4 (MANE Select); coding-DNA position 17488, C replaced by T.
Protein change: p.Gln5830Ter; replaces glutamine 5830 with a stop codon.
Molecular consequence: nonsense. On other transcripts: non-coding transcript variant (1).
Genome position (GRCh38, 1-based): chr5:90,854,095, C>T. VCF-style: chr5-90854095-C-T. GRCh37 (hg19) VCF-style: chr5-90149912-C-T.
Other names: short protein forms Q5830*.
Identifiers: ClinVar variation 2734744 (VCV002734744.3), dbSNP rs1358854063, ClinGen allele CA360430494.

ClinVar aggregate classification (germline): Pathogenic (1 of 4 stars; one submission).

Submission:

Labcorp Genetics (formerly Invitae), Labcorp
Classification: Pathogenic. Last evaluated: 2023-02-07. Review status: criteria provided, single submitter. Criteria: Invitae Variant Classification Sherloc (09022015). Collection method: clinical testing. Allele origin: germline.
Comment: This sequence change creates a premature translational stop signal (p.Gln5830*) in the ADGRV1 gene. It is expected to result in an absent or disrupted protein product. Loss-of-function variants in ADGRV1 are known to be pathogenic (PMID: 19357117, 22135276, 22147658, 26226137, 30718709, 31047384, 32467589). This variant is not present in population databases (gnomAD no frequency). This premature translational stop signal has been observed in individual(s) with Usher syndrome (PMID: 25333064). For these reasons, this variant has been classified as Pathogenic.

Literature cited by the submitters: PubMed 19357117; PubMed 22135276; PubMed 22147658; PubMed 26226137; PubMed 30718709; PubMed 31047384; PubMed 32467589; PubMed 25333064.